The following is an entry in ClinVar:

NM_001458.5(FLNC):c.2401A>T (p.Ile801Phe)

Gene: FLNC (filamin C; plus strand). Cytogenetic location: 7q32.1.
Variant type: single nucleotide variant.
Coding change: c.2401A>T on transcript NM_001458.5 (MANE Select); coding-DNA position 2401, A replaced by T.
Protein change: p.Ile801Phe; replaces isoleucine 801 with phenylalanine.
Molecular consequence: missense variant.
Genome position (GRCh38, 1-based): chr7:128,842,805, A>T. VCF-style: chr7-128842805-A-T. GRCh37 (hg19) VCF-style: chr7-128482859-A-T.
Other names: c.2401A>T, p.Ile801Phe (NM_001127487.2); short protein forms I801F.
Identifiers: ClinVar variation 2940192 (VCV002940192.3), dbSNP rs2536632014, ClinGen allele CA369191529.

ClinVar aggregate classification (germline): Uncertain significance (1 of 4 stars; one submission).

Conditions:
Hypertrophic cardiomyopathy 26. Also called: Cardiomyopathy, familial hypertrophic, 26. Identifiers: Orphanet 75249, MedGen C4310749, MONDO:0014883, OMIM 617047.
Myofibrillar myopathy 5. Also called: Filaminopathy (type); FILAMINOPATHY, AUTOSOMAL DOMINANT. Identifiers: Orphanet 171445, MedGen C1836050, MONDO:0012289, OMIM 609524.
Distal myopathy with posterior leg and anterior hand involvement. Also called: WILLIAMS DISTAL MYOPATHY. Identifiers: Orphanet 63273, MedGen C3279722, MONDO:0013550, OMIM 614065.

Submission:

Labcorp Genetics (formerly Invitae), Labcorp
Classification: Uncertain significance for Distal myopathy with posterior leg and anterior hand involvement; Myofibrillar myopathy 5; Hypertrophic cardiomyopathy 26. Last evaluated: 2023-11-19. Review status: criteria provided, single submitter. Criteria: Invitae Variant Classification Sherloc (09022015). Collection method: clinical testing. Allele origin: germline.
Comment: This sequence change replaces isoleucine, which is neutral and non-polar, with phenylalanine, which is neutral and non-polar, at codon 801 of the FLNC protein (p.Ile801Phe). This variant is not present in population databases (gnomAD no frequency). This variant has not been reported in the literature in individuals affected with FLNC-related conditions. Advanced modeling of protein sequence and biophysical properties (such as structural, functional, and spatial information, amino acid conservation, physicochemical variation, residue mobility, and thermodynamic stability) has been performed at Invitae for this missense variant, however the output from this modeling did not meet the statistical confidence thresholds required to predict the impact of this variant on FLNC protein function. In summary, the available evidence is currently insufficient to determine the role of this variant in disease. Therefore, it has been classified as a Variant of Uncertain Significance.